The following is an entry in ClinVar:

ClinVar aggregate classification (germline): Likely pathogenic (1 of 4 stars; one submission).

Conditions:
Neuromuscular disease caused by qualitative or quantitative defects of dysferlin. Also called: Dysferlinopathy; Qualitative or quantitative defects of dysferlin. Identifiers: Orphanet 207073, MedGen C2931687, MONDO:0016145.

Submission:

Labcorp Genetics (formerly Invitae), Labcorp
Classification: Likely pathogenic for Neuromuscular disease caused by qualitative or quantitative defects of dysferlin. Last evaluated: 2024-03-07. Review status: criteria provided, single submitter. Criteria: Invitae Variant Classification Sherloc (09022015). Collection method: clinical testing. Allele origin: germline.
Comment: This sequence change replaces tryptophan, which is neutral and slightly polar, with glycine, which is neutral and non-polar, at codon 320 of the DYSF protein (p.Trp320Gly). This variant is not present in population databases (gnomAD no frequency). This variant has not been reported in the literature in individuals affected with DYSF-related conditions. Advanced modeling of protein sequence and biophysical properties (such as structural, functional, and spatial information, amino acid conservation, physicochemical variation, residue mobility, and thermodynamic stability) performed at Invitae indicates that this missense variant is expected to disrupt DYSF protein function with a positive predictive value of 95%. This variant disrupts the p.Trp320 amino acid residue in DYSF. Other variant(s) that disrupt this residue have been determined to be pathogenic (PMID: 27195159). This suggests that this residue is clinically significant, and that variants that disrupt this residue are likely to be disease-causing. In summary, the currently available evidence indicates that the variant is pathogenic, but additional data are needed to prove that conclusively. Therefore, this variant has been classified as Likely Pathogenic.

Literature cited by the submitters: PubMed 27195159.

NM_001130987.2(DYSF):c.1054T>G (p.Trp352Gly)

Gene: DYSF (dysferlin; plus strand). Cytogenetic location: 2p13.2.
Variant type: single nucleotide variant.
Coding change: c.1054T>G on transcript NM_001130987.2 (MANE Select); coding-DNA position 1054, T replaced by G.
Protein change: p.Trp352Gly; replaces tryptophan 352 with glycine.
Molecular consequence: missense variant.
Genome position (GRCh38, 1-based): chr2:71,520,809, T>G. VCF-style: chr2-71520809-T-G. GRCh37 (hg19) VCF-style: chr2-71747939-T-G.
Other names: c.961T>G, p.Trp321Gly (NM_001130455.2, NM_001130983.2, NM_001130984.2 and 1 more transcripts); c.958T>G, p.Trp320Gly (NM_001130976.2, NM_001130977.2, NM_001130978.2 and 1 more transcripts); c.1051T>G, p.Trp351Gly (NM_001130979.2, NM_001130980.2, NM_001130981.2); c.1054T>G, p.Trp352Gly (NM_001130982.2, NM_001130985.2); short protein forms W320G, W321G, W352G, W351G.
Identifiers: ClinVar variation 3644877 (VCV003644877.2).